The following is an entry in ClinVar:

ClinVar aggregate classification (germline): Uncertain significance (1 of 4 stars; one submission).

Submission:

Dasa
Classification: Uncertain significance. Last evaluated: 2026-04-08. Review status: criteria provided, single submitter. Criteria: DASA Assertion Criteria. Collection method: clinical testing. Allele origin: germline.
Comment: NM_024408.4(NOTCH2):c.5370_5375dup (p.Gln1791_Gln1792dup) is an in-frame duplication predicted to duplicate amino acids from glutamine at protein position 1791 through glutamine at protein position 1792 without shifting the reading frame. This variant is rare in population databases. The currently available literature and clinical evidence are not sufficient to establish a definitive association between this variant and the reported condition. Therefore, this variant is classified as a variant of uncertain significance.

NM_024408.4(NOTCH2):c.5370_5375dup (p.Gln1792_His1793insGlnGln)

Gene: NOTCH2 (notch receptor 2; minus strand). Cytogenetic location: 1p12.
Variant type: Duplication.
Coding change: c.5370_5375dup on transcript NM_024408.4 (MANE Select); coding-DNA positions 5370 to 5375, 6 bases duplicated (ACAGCA; older notation c.5370_5375dupACAGCA).
Protein change: p.Gln1792_His1793insGlnGln.
Molecular consequence: inframe insertion.
Genome position (GRCh38, 1-based): chr1:119,920,333-119,920,338, TGCTGT duplicated on the plus strand (ACAGCA on the coding strand, the reverse complement: NOTCH2 is on the minus strand). VCF-style (leftmost placement, unchanged base first): chr1-119920332-C-CTGCTGT. GRCh37 (hg19) VCF-style: chr1-120462955-C-CTGCTGT.
Identifiers: ClinVar variation 4886351 (VCV004886351.2).
Genomic context (GRCh38, chr1:119,920,332, plus strand): 5'-TGCCTGAGGAGGGGTGAGAGCCAGCGATGGTGTCCTACGGATGTCTGCAGCTTCAAGGTG[C>CTGCTGT]TGCTGTGTCCATGGCCGTCGATCAATGGGGTCATCTTCTTCTGAGAGTAAGGCCTCATCT-3'